The following is an entry in ClinVar:

NM_000094.4(COL7A1):c.977-2A>T

Gene: COL7A1 (collagen type VII alpha 1 chain; minus strand). Cytogenetic location: 3p21.31.
Variant type: single nucleotide variant.
Coding change: c.977-2A>T on transcript NM_000094.4 (MANE Select); the canonical splice acceptor site of the intron before coding-DNA position 977, A replaced by T.
Molecular consequence: splice acceptor variant.
Genome position (GRCh38, 1-based): chr3:48,592,469, T>A on the plus strand (A>T on the coding strand, the complement: COL7A1 is on the minus strand). VCF-style: chr3-48592469-T-A. GRCh37 (hg19) VCF-style: chr3-48629902-T-A.
Identifiers: ClinVar variation 1348769 (VCV001348769.8), dbSNP rs2107793510, ClinGen allele CA352739282.

ClinVar aggregate classification (germline): Likely pathogenic (1 of 4 stars; one submission).

Submission:

Labcorp Genetics (formerly Invitae), Labcorp
Classification: Likely pathogenic. Last evaluated: 2020-11-11. Review status: criteria provided, single submitter. Criteria: Invitae Variant Classification Sherloc (09022015). Collection method: clinical testing. Allele origin: germline.
Comment: In summary, the currently available evidence indicates that the variant is pathogenic, but additional data are needed to prove that conclusively. Therefore, this variant has been classified as Likely Pathogenic. Algorithms developed to predict the effect of sequence changes on RNA splicing suggest that this variant may disrupt the consensus splice site, but this prediction has not been confirmed by published transcriptional studies. This variant has not been reported in the literature in individuals with COL7A1-related conditions. This variant is not present in population databases (ExAC no frequency). This sequence change affects an acceptor splice site in intron 7 of the COL7A1 gene. It is expected to disrupt RNA splicing. Variants that disrupt the donor or acceptor splice site typically lead to a loss of protein function (PMID: 16199547), and loss-of-function variants in COL7A1 are known to be pathogenic (PMID: 16971478).

Literature cited by the submitters: PubMed 16199547; PubMed 16971478.